The following is an entry in ClinVar:

NM_001001548.3(CD36):c.875G>T (p.Arg292Ile)

Gene: CD36 (CD36 molecule (CD36 blood group); plus strand). Cytogenetic location: 7q21.11.
Variant type: single nucleotide variant.
Coding change: c.875G>T on transcript NM_001001548.3 (MANE Select); coding-DNA position 875, G replaced by T.
Protein change: p.Arg292Ile; replaces arginine 292 with isoleucine.
Molecular consequence: missense variant.
Genome position (GRCh38, 1-based): chr7:80,671,033, G>T. VCF-style: chr7-80671033-G-T. GRCh37 (hg19) VCF-style: chr7-80300349-G-T.
Other names: c.875G>T, p.Arg292Ile (NM_001127443.2, NM_001127444.2, NM_001371074.1 and 5 more transcripts); c.758G>T, p.Arg253Ile (NM_001289908.1); c.695G>T, p.Arg232Ile (NM_001289909.1); c.647G>T, p.Arg216Ile (NM_001289911.2); c.773G>T, p.Arg258Ile (NM_001371079.1); c.410G>T, p.Arg137Ile (NM_001371080.1, NM_001371081.1); short protein forms R232I, R216I, R253I, R292I, R137I, R258I.
Identifiers: ClinVar variation 908992 (VCV000908992.7), dbSNP rs200757788, ClinGen allele CA4315478.
Genomic context (GRCh38, chr7:80,671,033, plus strand): 5'-TTAGGTCAATCTATGCTGTATTTGAATCCGACGTTAATCTGAAAGGAATCCCTGTGTATA[G>T]ATTTGTTCTTCCATCCAAGGCCTTTGCCTCTCCAGTTGAAAACCCAGACAACTATTGTTT-3'
Protein context (NP_001001548.1, residues 282-302): DVNLKGIPVY[Arg292Ile]FVLPSKAFAS

ClinVar aggregate classification (germline): Uncertain significance. Review status: criteria provided, multiple submitters, no conflicts (2 of 4 stars). 4 submissions from 4 submitters: Uncertain significance (4). Last evaluated 2024-01-11.

Conditions:
CD36-related disorder. Also called: CD36-related disorders; CD36-related condition.
Platelet-type bleeding disorder 10. Also called: CD36 DEFICIENCY. Identifiers: MedGen C1842090, MONDO:0012031, OMIM 608404.

Allele frequency attached by ClinVar (database versions not stated): 1000 Genomes Project 30x 0.00016; TOPMed 0.00008; ESP Exome Variant Server 0.00008; gnomAD exomes 0.00011; gnomAD 0.00009 and 0.00010; ExAC 0.00018; 1000 Genomes Project 0.00020.
gnomAD v4.1: 114 of 1,613,190 alleles (0.0071%); highest among the groups gnomAD compares: Middle Eastern, 0.13%; no homozygotes.

Submissions (4):

Women's Health and Genetics/Laboratory Corporation of America, LabCorp
Classification: Uncertain significance. Last evaluated: 2024-01-11. Review status: criteria provided, single submitter. Criteria: LabCorp Variant Classification Summary - May 2015. Collection method: clinical testing. Allele origin: germline.
Comment: Variant summary: CD36 c.875G>T (p.Arg292Ile) results in a non-conservative amino acid change in the encoded protein sequence. Five of five in-silico tools predict a damaging effect of the variant on protein function. The variant allele was found at a frequency of 0.00011 in 251150 control chromosomes. This frequency is not significantly higher than estimated for a pathogenic variant in CD36 causing CD36-Related Disorders, allowing no conclusion about variant significance. To our knowledge, no occurrence of c.875G>T in individuals affected with CD36-Related Disorders and no experimental evidence demonstrating its impact on protein function have been reported. ClinVar contains an entry for this variant (Variation ID: 908992). Based on the evidence outlined above, the variant was classified as uncertain significance.

PreventionGenetics, part of Exact Sciences
Classification: Uncertain significance for CD36-related condition. Last evaluated: 2022-10-17. Review status: criteria provided, single submitter. Criteria: ACMG Guidelines, 2015. Collection method: clinical testing. Allele origin: germline.
Comment: The CD36 c.875G>T variant is predicted to result in the amino acid substitution p.Arg292Ile. To our knowledge, this variant has not been reported in the literature. This variant is reported in 0.019% of alleles in individuals of European (Non-Finnish) descent in gnomAD and interpreted as uncertain in ClinVar. At this time, the clinical significance of this variant is uncertain due to the absence of conclusive functional and genetic evidence.

3billion
Classification: Uncertain significance for Platelet-type bleeding disorder 10. Last evaluated: 2022-09-01. Review status: criteria provided, single submitter. Criteria: ACMG Guidelines, 2015. Collection method: clinical testing. Allele origin: germline. Affected: yes. Observed: 1 heterozygote.
Comment: The variant is observed at an extremely low frequency in the gnomAD v2.1.1 dataset (total allele frequency: 0.011%). In silico tool predictions suggest damaging effect of the variant on gene or gene product (REVEL: 0.85; 3Cnet: 0.86). Therefore, this variant is classified as uncertain significance according to the recommendation of ACMG/AMP guideline.

Illumina Laboratory Services, Illumina
Classification: Uncertain significance for Platelet-type bleeding disorder 10. Last evaluated: 2018-01-13. Review status: criteria provided, single submitter. Criteria: ICSL Variant Classification Criteria 13 December 2019. Collection method: clinical testing. Allele origin: germline.